The following is an entry in ClinVar:

NM_006939.4(SOS2):c.1091A>G (p.Glu364Gly)

Gene: SOS2 (SOS Ras/Rho guanine nucleotide exchange factor 2; minus strand). Cytogenetic location: 14q21.3.
Variant type: single nucleotide variant.
Coding change: c.1091A>G on transcript NM_006939.4 (MANE Select); coding-DNA position 1091, A replaced by G.
Protein change: p.Glu364Gly; replaces glutamic acid 364 with glycine.
Molecular consequence: missense variant.
Genome position (GRCh38, 1-based): chr14:50,161,587, T>C on the plus strand (A>G on the coding strand, the complement: SOS2 is on the minus strand). VCF-style: chr14-50161587-T-C. GRCh37 (hg19) VCF-style: chr14-50628305-T-C.
Other names: c.992A>G, p.Glu331Gly (NM_001411020.1); short protein forms E331G, E364G.
Identifiers: ClinVar variation 3799919 (VCV003799919.1).
Genomic context (GRCh38, chr14:50,161,587, plus strand): 5'-CTACCTTGGAGATTCATGAGAGCAGTAATAGCTTGGTTCAAACATTCTCTGTCTTCTTGT[T>C]CTTCACTACATGCTTTCAATTGCTAAGAAAAAACAGAAAGAAAAATCAAAACTGCATTGT-3'
Protein context (NP_008870.2, residues 354-374): LLKQLKACSE[Glu364Gly]QEDRECLNQA

ClinVar aggregate classification (germline): Uncertain significance (1 of 4 stars; one submission).

Conditions:
Cardiovascular phenotype. Identifiers: MedGen CN230736.

Submission:

Ambry Genetics
Classification: Uncertain significance for Cardiovascular phenotype. Last evaluated: 2025-02-06. Review status: criteria provided, single submitter. Criteria: Ambry Variant Classification Scheme 2023. Collection method: clinical testing. Allele origin: germline.
Comment: The p.E364G variant (also known as c.1091A>G), located in coding exon 9 of the SOS2 gene, results from an A to G substitution at nucleotide position 1091. The glutamic acid at codon 364 is replaced by glycine, an amino acid with similar properties. This amino acid position is conserved. In addition, the in silico prediction for this alteration is inconclusive. Based on the available evidence, the clinical significance of this variant remains unclear.